The following is an entry in ClinVar:

ClinVar aggregate classification (germline): Likely pathogenic (1 of 4 stars; one submission).

Submission:

GeneDx
Classification: Likely pathogenic. Last evaluated: 2015-04-03. Review status: criteria provided, single submitter. Criteria: GeneDx Variant Classification (06012015). Collection method: clinical testing. Allele origin: germline. Affected: yes.
Comment: The W226R variant has not been published as a pathogenic variant, nor has it been reported as a benign polymorphism to our knowledge. The W226R variant was not observed in approximately 6,500 individuals of European and African American ancestry in the NHLBI Exome Sequencing Project, indicating it is not a common benign variant in these populations. This substitution occurs at a position that is conserved across species. The W226R variant is a non-conservative amino acid substitution, which is likely to impact secondary protein structure as these residues differ in polarity, charge, size and/or other properties. In silico analyses predict this variant is probably damaging to the protein structure/function. Missense variants in nearby residues within the same transmembrane domain (M223K, T237R) have been reported in the Human Gene Mutation Database in association with exudative vitreoretinopathy (Stenson et al., 2014), supporting the functional importance of this region of the protein. Therefore, this variant is a strong candidate for a pathogenic variant, however the possibility that it is a benign variant cannot be excluded.

NM_012193.4(FZD4):c.676T>C (p.Trp226Arg)

Genes: FZD4 (frizzled class receptor 4; minus strand), PRSS23 (serine protease 23; plus strand). Cytogenetic location: 11q14.2.
Variant type: single nucleotide variant.
Coding change: c.676T>C on transcript NM_012193.4 (MANE Select); coding-DNA position 676, T replaced by C.
Protein change: p.Trp226Arg; replaces tryptophan 226 with arginine.
Molecular consequence: missense variant. On other transcripts: non-coding transcript variant (2).
Genome position (GRCh38, 1-based): chr11:86,952,080, A>G on the plus strand (T>C on the coding strand, the complement: FZD4 is on the minus strand). VCF-style: chr11-86952080-A-G. GRCh37 (hg19) VCF-style: chr11-86663122-A-G.
Other names: short protein forms W226R.
Identifiers: ClinVar variation 418221 (VCV000418221.2), dbSNP rs1064793132, ClinGen allele CA16619413.